The following is an entry in ClinVar:

ClinVar aggregate classification (germline): Uncertain significance (1 of 4 stars; one submission).

Conditions:
Cardiovascular phenotype. Identifiers: MedGen CN230736.

gnomAD v4.1: 3 of 1,612,570 alleles (0.00019%); highest among the groups gnomAD compares: South Asian, 0.0011%; no homozygotes.

Submission:

Ambry Genetics
Classification: Uncertain significance for Cardiovascular phenotype. Last evaluated: 2026-04-18. Review status: criteria provided, single submitter. Criteria: Ambry Variant Classification Scheme 2023. Collection method: clinical testing. Allele origin: germline.
Comment: The p.D3381Y variant (also known as c.10141G>T), located in coding exon 29 of the TNXB gene, results from a G to T substitution at nucleotide position 10141. The aspartic acid at codon 3381 is replaced by tyrosine, an amino acid with highly dissimilar properties. This amino acid position is conserved. In addition, the in silico prediction for this alteration is inconclusive. Based on the available evidence, the clinical significance of this variant remains unclear.

NM_001365276.2(TNXB):c.10147G>T (p.Asp3383Tyr)

Gene: TNXB (tenascin XB; minus strand). Cytogenetic location: 6p21.33.
Variant type: single nucleotide variant.
Coding change: c.10147G>T on transcript NM_001365276.2 (MANE Select); coding-DNA position 10147, G replaced by T.
Protein change: p.Asp3383Tyr; replaces aspartic acid 3383 with tyrosine.
Molecular consequence: missense variant.
Genome position (GRCh38, 1-based): chr6:32,047,911, C>A on the plus strand (G>T on the coding strand, the complement: TNXB is on the minus strand). VCF-style: chr6-32047911-C-A. GRCh37 (hg19) VCF-style: chr6-32015688-C-A.
Other names: c.10141G>T, p.Asp3381Tyr (NM_019105.8); c.10888G>T, p.Asp3630Tyr (NM_001428335.1); short protein forms D3381Y, D3383Y, D3630Y.
Identifiers: ClinVar variation 4865815 (VCV004865815.1).